The following is an entry in ClinVar:

ClinVar aggregate classification (germline): Pathogenic. Review status: criteria provided, multiple submitters, no conflicts (2 of 4 stars). 2 submissions from 2 submitters: Pathogenic (2). Last evaluated 2021-11-03.

Conditions:
Hereditary breast ovarian cancer syndrome. Also called: Breast and ovarian cancer; Hereditary breast and ovarian cancer syndrome; Hereditary breast and ovarian cancer; Hereditary breast and ovarian cancer syndrome (HBOC); Hereditary breast and/or ovarian cancer syndrome; BRCA1- and BRCA2-Associated Hereditary Breast and Ovarian Cancer. Identifiers: Orphanet 145, MedGen C0677776, MeSH D061325, MONDO:0003582. Disease mechanism: loss of function.

Submissions (2):

Institute for Clinical Genetics, University Hospital TU Dresden, University Hospital TU Dresden
Classification: Pathogenic. Last evaluated: 2021-11-03. Review status: criteria provided, single submitter. Criteria: ACMG Guidelines, 2015. Collection method: clinical testing. Allele origin: germline.

Labcorp Genetics (formerly Invitae), Labcorp
Classification: Pathogenic for Hereditary breast ovarian cancer syndrome. Last evaluated: 2017-08-08. Review status: criteria provided, single submitter. Criteria: Invitae Variant Classification Sherloc (09022015). Collection method: clinical testing. Allele origin: germline.
Comment: For these reasons, this variant has been classified as Pathogenic. Loss-of-function variants in BRCA2 are known to be pathogenic (PMID: 20104584). Algorithms developed to predict the effect of sequence changes on RNA splicing suggest that this variant may disrupt the consensus splice site, but this prediction has not been confirmed by published transcriptional studies. This variant has not been reported in the literature in individuals with BRCA2-related disease. This variant is not present in population databases (ExAC no frequency). This sequence change creates a premature translational stop signal (p.Gly3086Aspfs*18) in the BRCA2 gene. It is expected to result in an absent or disrupted protein product.

Literature cited by the submitters: PubMed 20104584 (cited by Labcorp Genetics (formerly Invitae), Labcorp).

NC_000013.11:g.32394689del

Gene: BRCA2 (BRCA2 DNA repair associated; plus strand). Cytogenetic location: 13q13.1.
Variant type: Deletion.
Genome position: GRCh38 VCF-style: chr13-32394687-AG-A. GRCh37 (hg19) VCF-style: chr13-32968824-AG-A.
Other names: c.9257-1del (NM_000059.3).
Identifiers: ClinVar variation 531277 (VCV000531277.11), dbSNP rs1555289496, ClinGen allele CA658798088.
Genomic context (GRCh38, chr13:32,394,687, plus strand): 5'-TGCATCTTAAAATTCATCTAACACATCTATAATAACATTCTTTTCTTTTTTTTCCATTCT[AG>A]GACTTGCCCCTTTCGTCTATTTGTCAGACGAATGTTACAATTTACTGGCAATAAAGTTTT-3'